The following is an entry in ClinVar:

NM_000159.4(GCDH):c.442G>A (p.Val148Ile)

Gene: GCDH (glutaryl-CoA dehydrogenase; plus strand). Cytogenetic location: 19p13.13.
Variant type: single nucleotide variant.
Coding change: c.442G>A on transcript NM_000159.4 (MANE Select); coding-DNA position 442, G replaced by A.
Protein change: p.Val148Ile; replaces valine 148 with isoleucine.
Molecular consequence: missense variant. On other transcripts: non-coding transcript variant (2).
Genome position (GRCh38, 1-based): chr19:12,893,590, G>A. VCF-style: chr19-12893590-G-A. GRCh37 (hg19) VCF-style: chr19-13004404-G-A.
Other names: c.442G>A (NM_000159.3); c.442G>A, p.Val148Ile (NM_013976.5); short protein forms V148I.
Identifiers: ClinVar variation 2138244 (VCV002138244.9), dbSNP rs1003611285, ClinGen allele CA404317554.
Genomic context (GRCh38, chr19:12,893,590, plus strand): 5'-CGAGAGCTGGAGCGGGTGGACAGTGGCTACAGGTCGGCGATGAGTGTCCAGTCCTCCCTC[G>A]TCATGCACCCTATCTATGCCTATGGCAGCGAGGAACAGCGGCAGAAGTACCTGCCCCAGC-3'
Protein context (NP_000150.1, residues 138-158): RSAMSVQSSL[Val148Ile]MHPIYAYGSE

ClinVar aggregate classification (germline): Pathogenic/Likely pathogenic. Review status: criteria provided, multiple submitters, no conflicts (2 of 4 stars). 5 submissions from 5 submitters: Pathogenic (3); Likely pathogenic (1). 1 of the submissions does not count toward it. Last evaluated 2025-09-24.

Conditions:
Glutaric aciduria, type 1. Also called: Glutaryl-CoA dehydrogenase deficiency; Glutaric acidemia type I; Glutaricacidemia Type 1; Glutaricaciduria, type I; Glutaric Acidemia Type 1; GA I. Identifiers: Orphanet 25, MedGen C0268595, MONDO:0009281, OMIM 231670.

Allele frequency attached by ClinVar (database versions not stated): TOPMed 0.00001.

Submissions (5):

Genesolutions, Medical Genetics Institutes, Ho Chi Minh City, Vietnam
Classification: Likely pathogenic for Glutaric aciduria, type 1. Last evaluated: 2025-09-24. Review status: criteria provided, single submitter. Criteria: ACMG Guidelines, 2015. Collection method: clinical testing. Allele origin: germline. Affected: yes.

Labcorp Genetics (formerly Invitae), Labcorp
Classification: Pathogenic for Glutaric aciduria, type 1. Last evaluated: 2025-03-23. Review status: criteria provided, single submitter. Criteria: Invitae Variant Classification Sherloc (09022015). Collection method: clinical testing. Allele origin: germline.
Comment: This sequence change replaces valine, which is neutral and non-polar, with isoleucine, which is neutral and non-polar, at codon 148 of the GCDH protein (p.Val148Ile). This variant is not present in population databases (gnomAD no frequency). This missense change has been observed in individual(s) with glutaric aciduria type I (PMID: 9600243, 24332224). ClinVar contains an entry for this variant (Variation ID: 2138244). Invitae Evidence Modeling of protein sequence and biophysical properties (such as structural, functional, and spatial information, amino acid conservation, physicochemical variation, residue mobility, and thermodynamic stability) indicates that this missense variant is expected to disrupt GCDH protein function with a positive predictive value of 80%. For these reasons, this variant has been classified as Pathogenic.

3billion
Classification: Pathogenic for Glutaric aciduria, type 1. Last evaluated: 2024-10-10. Review status: criteria provided, single submitter. Criteria: ACMG Guidelines, 2015. Collection method: clinical testing. Allele origin: germline. Affected: yes.
Comment: The variant is observed at an extremely low frequency in the gnomAD v4.1.0 dataset (total allele frequency: 0.002%). Predicted Consequence/Location: Missense variant Functional studies provide strong evidence of the variant having a damaging effect on the gene or gene product (PMID: 16641220, 9600243). In silico tool predictions suggest damaging effect of the variant on gene or gene product [REVEL: 0.84 (>=0.6, sensitivity 0.68 and specificity 0.92); 3Cnet: 0.99 (>=0.6, sensitivity 0.72 and precision 0.9)]. The same nucleotide change resulting in the same amino acid change has been previously reported as pathogenic/likely pathogenic with strong evidence (ClinVar ID: VCV002138244 /PMID: 9600243). A different missense change at the same codon (p.Val148Phe) has been reported to be associated with GCDH related disorder (PMID: 37020324). Therefore, this variant is classified as Pathogenic according to the recommendation of ACMG/AMP guideline.

Women's Health and Genetics/Laboratory Corporation of America, LabCorp
Classification: Pathogenic for Glutaric aciduria, type 1. Last evaluated: 2023-08-25. Review status: criteria provided, single submitter. Criteria: LabCorp Variant Classification Summary - May 2015. Collection method: clinical testing. Allele origin: germline.
Comment: Variant summary: GCDH c.442G>A (p.Val148Ile) results in a conservative amino acid change located in the Acyl-CoA dehydrogenase/oxidase, N-terminal domain (IPR013786) of the encoded protein sequence. Four of five in-silico tools predict a damaging effect of the variant on protein function. The variant was absent in 251470 control chromosomes (gnomAD). c.442G>A has been reported in the literature in multiple bi-allelic individuals affected with Glutaric Acidemia Type 1 (examples: Schwartz_1998, Kolker_2006, Christensen_2004, and Wang_2014). These data indicate that the variant is very likely to be associated with disease. Multiple publications have reported experimental evidence evaluating an impact on protein function. The most pronounced variant effect results in <10% of normal activity (examples: Schwartz_1998, Kolker_2006, Christensen_2004). The following publications have been ascertained in the context of this evaluation (PMID: 9600243, 16641220, 15505393, 24332224). One submitter has cited clinical-significance assessments for this variant to ClinVar after 2014 and has classified the variant as pathogenic. Based on the evidence outlined above, the variant was classified as pathogenic.

Molecular Genetics Laboratory, BC Children's and BC Women's Hospitals
Classification: Likely pathogenic for Glutaric aciduria, type 1. Last evaluated: 2024-08-07. Review status: no assertion criteria provided. Criteria: ACMG Guidelines, 2015. Collection method: clinical testing. Allele origin: paternal. Affected: yes. Not counted in ClinVar's aggregate classification.

Literature cited by the submitters: PubMed 9600243 (cited by 3 submitters); PubMed 24332224 (cited by Labcorp Genetics (formerly Invitae), Labcorp and Women's Health and Genetics/Laboratory Corporation of America, LabCorp); PubMed 16641220 (cited by 3billion and Women's Health and Genetics/Laboratory Corporation of America, LabCorp); PubMed 37020324 (cited by 3billion); PubMed 15505393 (cited by Women's Health and Genetics/Laboratory Corporation of America, LabCorp).